The following is an entry in ClinVar:

ClinVar aggregate classification (germline): Uncertain significance. Review status: no assertion criteria provided (0 of 4 stars). 2 submissions from 1 submitter: Uncertain significance (1). 1 of the submissions does not count toward it.

Submissions (2):

Richard Lifton Laboratory, Yale University School of Medicine
Classification: Uncertain significance. Review status: no assertion criteria provided. Collection method: not provided. Allele origin: somatic.
Comment: EBF3:p.S178S
ClinVar note: Converted during submission from unknown to Uncertain significance.

Richard Lifton Laboratory, Yale University School of Medicine
Classification: Uncertain significance. Review status: flagged submission. Collection method: not provided. Allele origin: somatic. Not counted in ClinVar's aggregate classification.
ClinVar note: Converted during submission from unknown to Uncertain significance.
ClinVar note: Reason: This record appears to be redundant with a more recent record from the same submitter.
ClinVar note: Notes: SCV000120039 appears to be redundant with SCV000155142.

NM_001375380.1(EBF3):c.534A>T (p.Ser178=)

Gene: EBF3 (EBF transcription factor 3; minus strand). Cytogenetic location: 10q26.3.
Variant type: single nucleotide variant.
Coding change: c.534A>T on transcript NM_001375380.1 (MANE Select); coding-DNA position 534, A replaced by T.
Protein change: p.Ser178=; no amino-acid change (serine 178 retained).
Molecular consequence: synonymous variant.
Genome position (GRCh38, 1-based): chr10:129,957,278, T>A on the plus strand (A>T on the coding strand, the complement: EBF3 is on the minus strand). VCF-style: chr10-129957278-T-A. GRCh37 (hg19) VCF-style: chr10-131755542-T-A.
Other names: c.534A>T, p.Ser178= (NM_001005463.3, NM_001375379.1, NM_001375389.1 and 3 more transcripts).
Identifiers: ClinVar variation 100819 (VCV000100819.2), dbSNP rs483352700, ClinGen allele CA229059.